The following is an entry in ClinVar:

NM_003070.5(SMARCA2):c.708A>G (p.Gln236=)

Gene: SMARCA2 (SWI/SNF related BAF chromatin remodeling complex subunit ATPase 2; plus strand). Cytogenetic location: 9p24.3.
Variant type: single nucleotide variant.
Coding change: c.708A>G on transcript NM_003070.5 (MANE Select); coding-DNA position 708, A replaced by G.
Protein change: p.Gln236=; no amino-acid change (glutamine 236 retained).
Molecular consequence: synonymous variant.
Genome position (GRCh38, 1-based): chr9:2,039,818, A>G. VCF-style: chr9-2039818-A-G. GRCh37 (hg19) VCF-style: chr9-2039818-A-G.
Other names: c.708A>G, p.Gln236= (NM_001289396.2, NM_001289397.2, NM_139045.4).
Identifiers: ClinVar variation 366202 (VCV000366202.40), dbSNP rs754442970, ClinGen allele CA4962965.
Genomic context (GRCh38, chr9:2,039,818, plus strand): 5'-GCAACAACAGCAGCAGCAACAGCAGCAGCAGCAGCAGCAGCAGCAGCAGCAGCAGCAGCA[A>G]CAGCAGCCGCAGCAGCAGCCGCCGCAACCACAGACGCAGCAACAACAGCAGCCGGCCCTT-3'
Protein context (NP_003061.3, residues 226-246): QQQQQQQQQQ[Gln236=]QQPQQQPPQP

ClinVar aggregate classification (germline): Benign/Likely benign. Review status: criteria provided, multiple submitters, no conflicts (2 of 4 stars). 6 submissions from 6 submitters: Benign (2); Likely benign (4). Last evaluated 2026-06-01.

Conditions:
Nicolaides-Baraitser syndrome (NCBRS). Also called: Intellectual disability-sparse hair-brachydactyly syndrome; SMARCA2-Related Nicolaides-Baraitser Syndrome. Identifiers: Orphanet 3051, MedGen C1303073, MONDO:0011053, OMIM 601358.

Allele frequency attached by ClinVar (database versions not stated): gnomAD 0.00050; gnomAD exomes 0.00082; ExAC 0.00167.
gnomAD v4.1: 499 of 1,586,170 alleles (0.031%); highest among the groups gnomAD compares: Admixed American, 0.14%; no homozygotes.

Submissions (6):

CeGaT Center for Human Genetics Tuebingen
Classification: Likely benign. Last evaluated: 2026-06-01. Review status: criteria provided, single submitter. Criteria: CeGaT Center For Human Genetics Tuebingen Variant Classification Criteria Version 2. Collection method: clinical testing. Allele origin: germline. Affected: yes. Observed: 4 variant alleles.
Comment: SMARCA2: BP4, BP7

Blueprint Genetics
Classification: Likely benign. Last evaluated: 2024-06-25. Review status: criteria provided, single submitter. Criteria: ACMG Guidelines, 2015. Collection method: clinical testing. Allele origin: germline.

Labcorp Genetics (formerly Invitae), Labcorp
Classification: Likely benign. Last evaluated: 2021-12-21. Review status: criteria provided, single submitter. Criteria: Invitae Variant Classification Sherloc (09022015). Collection method: clinical testing. Allele origin: germline.

GeneDx
Classification: Benign. Last evaluated: 2021-01-27. Review status: criteria provided, single submitter. Criteria: GeneDx Variant Classification Process June 2021. Collection method: clinical testing. Allele origin: germline. Affected: yes.

Illumina Laboratory Services, Illumina
Classification: Benign for Nicolaides-Baraitser syndrome. Last evaluated: 2018-01-12. Review status: criteria provided, single submitter. Criteria: ICSL Variant Classification Criteria 13 December 2019. Collection method: clinical testing. Allele origin: germline.
Comment: This variant was observed in the ICSL laboratory as part of a predisposition screen in an ostensibly healthy population. It had not been previously curated by ICSL or reported in the Human Gene Mutation Database (HGMD: prior to June 1st, 2018), and was therefore a candidate for classification through an automated scoring system. Utilizing variant allele frequency, disease prevalence and penetrance estimates, and inheritance mode, an automated score was calculated to assess if this variant is too frequent to cause the disease. Based on the score and internal cut-off values, a variant classified as benign is not then subjected to further curation. The score for this variant resulted in a classification of benign for this disease.

Breakthrough Genomics
Classification: Likely benign. Review status: criteria provided, single submitter. Criteria: ACMG Guidelines, 2015. Collection method: not provided. Allele origin: germline. Inheritance: Autosomal dominant inheritance. Affected: yes.